The following is an entry in ClinVar:

ClinVar aggregate classification (germline): Uncertain significance (1 of 4 stars; one submission).

Allele frequency attached by ClinVar (database versions not stated): gnomAD exomes below 0.00001.
gnomAD v4.1: 2 of 1,613,570 alleles (0.00012%); highest among the groups gnomAD compares: East Asian, 0.0022%; no homozygotes.

Submission:

Labcorp Genetics (formerly Invitae), Labcorp
Classification: Uncertain significance. Last evaluated: 2019-08-25. Review status: criteria provided, single submitter. Criteria: Invitae Variant Classification Sherloc (09022015). Collection method: clinical testing. Allele origin: germline.
Comment: Algorithms developed to predict the effect of missense changes on protein structure and function (SIFT, PolyPhen-2, Align-GVGD) all suggest that this variant is likely to be disruptive, but these predictions have not been confirmed by published functional studies and their clinical significance is uncertain. In summary, the available evidence is currently insufficient to determine the role of this variant in disease. Therefore, it has been classified as a Variant of Uncertain Significance. This variant has been observed to be homozygous in individuals affected with clinical features of mitochondrial complex I deficiency (PMID: 26741492, Invitae). This variant is not present in population databases (ExAC no frequency). This sequence change replaces tryptophan with arginine at codon 114 of the NDUFS4 protein (p.Trp114Arg). The tryptophan residue is highly conserved and there is a moderate physicochemical difference between tryptophan and arginine.

Literature cited by the submitters: PubMed 26741492.

NM_002495.4(NDUFS4):c.340T>C (p.Trp114Arg)

Gene: NDUFS4 (NADH:ubiquinone oxidoreductase subunit S4; plus strand). Cytogenetic location: 5q11.2.
Variant type: single nucleotide variant.
Coding change: c.340T>C on transcript NM_002495.4 (MANE Select); coding-DNA position 340, T replaced by C.
Protein change: p.Trp114Arg; replaces tryptophan 114 with arginine.
Molecular consequence: missense variant. On other transcripts: non-coding transcript variant (3).
Genome position (GRCh38, 1-based): chr5:53,646,395, T>C. VCF-style: chr5-53646395-T-C. GRCh37 (hg19) VCF-style: chr5-52942225-T-C.
Other names: c.340T>C, p.Trp114Arg (NM_001318051.2); short protein forms W114R.
Identifiers: ClinVar variation 933849 (VCV000933849.9), dbSNP rs1751865519, ClinGen allele CA359719892.